The following is an entry in ClinVar:

NM_183357.3(ADCY5):c.3179A>G (p.Asp1060Gly)

Gene: ADCY5 (adenylate cyclase 5; minus strand). Cytogenetic location: 3q21.1.
Variant type: single nucleotide variant.
Coding change: c.3179A>G on transcript NM_183357.3 (MANE Select); coding-DNA position 3179, A replaced by G.
Protein change: p.Asp1060Gly; replaces aspartic acid 1060 with glycine.
Molecular consequence: missense variant.
Genome position (GRCh38, 1-based): chr3:123,291,261, T>C on the plus strand (A>G on the coding strand, the complement: ADCY5 is on the minus strand). VCF-style: chr3-123291261-T-C. GRCh37 (hg19) VCF-style: chr3-123010108-T-C.
Other names: c.2129A>G, p.Asp710Gly (NM_001199642.1); c.3254A>G, p.Asp1085Gly (NM_001378259.1); short protein forms D1060G, D1085G, D710G.
Identifiers: ClinVar variation 4851644 (VCV004851644.1).

ClinVar aggregate classification (germline): Uncertain significance (1 of 4 stars; one submission).

Submission:

Greenwood Genetic Center Diagnostic Laboratories, Greenwood Genetic Center
Classification: Uncertain significance. Last evaluated: 2025-01-31. Review status: criteria provided, single submitter. Criteria: ACMG Guidelines, 2015. Collection method: clinical testing. Allele origin: germline.
Comment: PM2, PP2, PP3